The following is an entry in ClinVar:

NM_001203.3(BMPR1B):c.*1972C>A

Gene: BMPR1B (bone morphogenetic protein receptor type 1B; plus strand). Cytogenetic location: 4q22.3.
Variant type: single nucleotide variant.
Coding change: c.*1972C>A on transcript NM_001203.3 (MANE Select); 1972 bases downstream of the stop codon, C replaced by A.
Molecular consequence: 3 prime UTR variant.
Genome position (GRCh38, 1-based): chr4:95,156,645, C>A. VCF-style: chr4-95156645-C-A. GRCh37 (hg19) VCF-style: chr4-96077796-C-A.
Other names: c.*1972C>A (NM_001256792.2, NM_001256793.2, NM_001256794.1).
Identifiers: ClinVar variation 350156 (VCV000350156.6), dbSNP rs185854880, ClinGen allele CA10619637.

ClinVar aggregate classification (germline): Benign. Review status: criteria provided, multiple submitters, no conflicts (2 of 4 stars). 2 submissions from 2 submitters: Benign (2). Last evaluated 2018-01-13.

Conditions:
Brachydactyly. Also called: Brachydactyly syndrome; Brachydactyly (disease). Identifiers: MedGen C0221357, MONDO:0021004, HP:0001156.

Allele frequency attached by ClinVar (database versions not stated): gnomAD 0.00723 and 0.00703; TOPMed 0.00807; 1000 Genomes Project 30x 0.00375; 1000 Genomes Project 0.00379.

Submissions (2):

Illumina Laboratory Services, Illumina
Classification: Benign for Brachydactyly. Last evaluated: 2018-01-13. Review status: criteria provided, single submitter. Criteria: ICSL Variant Classification Criteria 13 December 2019. Collection method: clinical testing. Allele origin: germline.
Comment: This variant was observed in the ICSL laboratory as part of a predisposition screen in an ostensibly healthy population. It had not been previously curated by ICSL or reported in the Human Gene Mutation Database (HGMD: prior to June 1st, 2018), and was therefore a candidate for classification through an automated scoring system. Utilizing variant allele frequency, disease prevalence and penetrance estimates, and inheritance mode, an automated score was calculated to assess if this variant is too frequent to cause the disease. Based on the score and internal cut-off values, a variant classified as benign is not then subjected to further curation. The score for this variant resulted in a classification of benign for this disease.

Breakthrough Genomics
Classification: Benign. Review status: criteria provided, single submitter. Criteria: ACMG Guidelines, 2015. Collection method: not provided. Allele origin: germline. Inheritance: Autosomal recessive inheritance. Affected: yes.